The following is an entry in ClinVar:

ClinVar aggregate classification (germline): Uncertain significance (1 of 4 stars; one submission).

Conditions:
Hereditary cancer-predisposing syndrome. Also called: Neoplastic Syndromes, Hereditary; Tumor predisposition; Hereditary neoplastic syndrome; Hereditary Cancer Syndrome. Identifiers: Orphanet 140162, MedGen C0027672, MeSH D009386, MONDO:0015356.

gnomAD v4.1: 1 of 1,614,076 alleles (0.000062%); highest among the groups gnomAD compares: Non-Finnish European, 0.000085%; no homozygotes.

Submission:

Ambry Genetics
Classification: Uncertain significance for Hereditary cancer-predisposing syndrome. Last evaluated: 2024-02-13. Review status: criteria provided, single submitter. Criteria: Ambry Variant Classification Scheme 2023. Collection method: clinical testing. Allele origin: germline.
Comment: The p.E85Q variant (also known as c.253G>C), located in coding exon 1 of the GREM1 gene, results from a G to C substitution at nucleotide position 253. The glutamic acid at codon 85 is replaced by glutamine, an amino acid with highly similar properties. This amino acid position is conserved. In addition, the in silico prediction for this alteration is inconclusive. Based on the available evidence, the clinical significance of this alteration remains unclear.

NM_013372.7(GREM1):c.253G>C (p.Glu85Gln)

Gene: GREM1 (gremlin 1, DAN family BMP antagonist; plus strand). Cytogenetic location: 15q13.3.
Variant type: single nucleotide variant.
Coding change: c.253G>C on transcript NM_013372.7 (MANE Select); coding-DNA position 253, G replaced by C.
Protein change: p.Glu85Gln; replaces glutamic acid 85 with glutamine.
Molecular consequence: missense variant.
Genome position (GRCh38, 1-based): chr15:32,730,943, G>C. VCF-style: chr15-32730943-G-C. GRCh37 (hg19) VCF-style: chr15-33023144-G-C.
Other names: c.43G>C, p.Glu15Gln (NM_001191322.2); c.130G>C, p.Glu44Gln (NM_001191323.2); c.253G>C, p.Glu85Gln (NM_001368719.1); short protein forms E15Q, E44Q, E85Q.
Identifiers: ClinVar variation 3226258 (VCV003226258.1), dbSNP rs2548707699, ClinGen allele CA391557524.